The following is an entry in ClinVar:

NM_001378454.1(ALMS1):c.11737A>C (p.Ser3913Arg)

Gene: ALMS1 (ALMS1 centrosome and basal body associated protein; plus strand). Cytogenetic location: 2p13.1.
Variant type: single nucleotide variant.
Coding change: c.11737A>C on transcript NM_001378454.1 (MANE Select); coding-DNA position 11737, A replaced by C.
Protein change: p.Ser3913Arg; replaces serine 3913 with arginine.
Molecular consequence: missense variant.
Genome position (GRCh38, 1-based): chr2:73,600,746, A>C. VCF-style: chr2-73600746-A-C. GRCh37 (hg19) VCF-style: chr2-73827873-A-C.
Other names: c.11740A>C, p.Ser3914Arg (NM_015120.4); short protein forms S3914R, S3913R.
Identifiers: ClinVar variation 403949 (VCV000403949.8), dbSNP rs776963509, ClinGen allele CA1715307.

ClinVar aggregate classification (germline): Uncertain significance. Review status: criteria provided, multiple submitters, no conflicts (2 of 4 stars). 4 submissions from 4 submitters: Uncertain significance (3). 1 of the submissions does not count toward it. Last evaluated 2024-11-19.

Conditions:
Cardiovascular phenotype. Identifiers: MedGen CN230736.
Alstrom syndrome (ALMS). Identifiers: Orphanet 64, MedGen C0268425, MONDO:0008763, OMIM 203800.

Allele frequency attached by ClinVar (database versions not stated): gnomAD 0.00001; ExAC 0.00004; gnomAD exomes 0.00004.
gnomAD v4.1: 20 of 1,614,102 alleles (0.0012%); highest among the groups gnomAD compares: South Asian, 0.014%; no homozygotes.

Submissions (4):

Ambry Genetics
Classification: Uncertain significance for Cardiovascular phenotype. Last evaluated: 2024-11-19. Review status: criteria provided, single submitter. Criteria: Ambry Variant Classification Scheme 2023. Collection method: clinical testing. Allele origin: germline.
Comment: The p.S3914R variant (also known as c.11740A>C), located in coding exon 18 of the ALMS1 gene, results from an A to C substitution at nucleotide position 11740. The serine at codon 3914 is replaced by arginine, an amino acid with dissimilar properties. This amino acid position is well conserved in available vertebrate species. In addition, this alteration is predicted to be deleterious by in silico analysis. Based on the available evidence, the clinical significance of this variant remains unclear.

Labcorp Genetics (formerly Invitae), Labcorp
Classification: Uncertain significance for Alstrom syndrome. Last evaluated: 2022-10-13. Review status: criteria provided, single submitter. Criteria: Invitae Variant Classification Sherloc (09022015). Collection method: clinical testing. Allele origin: germline.
Comment: This sequence change replaces serine, which is neutral and polar, with arginine, which is basic and polar, at codon 3914 of the ALMS1 protein (p.Ser3914Arg). This variant is present in population databases (rs776963509, gnomAD 0.02%). This variant has not been reported in the literature in individuals affected with ALMS1-related conditions. ClinVar contains an entry for this variant (Variation ID: 403949). Experimental studies and prediction algorithms are not available or were not evaluated, and the functional significance of this variant is currently unknown. Algorithms developed to predict the effect of sequence changes on RNA splicing suggest that this variant may create or strengthen a splice site. In summary, the available evidence is currently insufficient to determine the role of this variant in disease. Therefore, it has been classified as a Variant of Uncertain Significance.

Fulgent Genetics
Classification: Uncertain significance for Alstrom syndrome. Last evaluated: 2021-09-16. Review status: criteria provided, single submitter. Criteria: ACMG Guidelines, 2015. Collection method: clinical testing. Allele origin: unknown.

Natera, Inc.
Classification: Uncertain significance for Alstrom syndrome. Last evaluated: 2020-10-14. Review status: no assertion criteria provided. Collection method: clinical testing. Allele origin: germline. Not counted in ClinVar's aggregate classification.